The following is an entry in ClinVar:

ClinVar aggregate classification (germline): Likely pathogenic (1 of 4 stars; one submission).

Conditions:
SKIC2-related disorder. Also called: SKIC2-related condition.

Submission:

PreventionGenetics, part of Exact Sciences
Classification: Likely pathogenic for SKIC2-related condition. Last evaluated: 2024-11-22. Review status: criteria provided, single submitter. Criteria: ACMG Guidelines, 2015. Collection method: clinical testing. Allele origin: germline.
Comment: The SKIC2 c.3272delT variant is predicted to result in a frameshift and premature protein termination (p.Leu1091Profs*10). To our knowledge, this variant has not been reported in the literature or in a large population database (gnomAD), indicating this variant is rare. Frameshift variants in SKIC2 are expected to be pathogenic. This variant is interpreted as likely pathogenic.

NM_006929.5(SKIC2):c.3272del (p.Leu1091fs)

Gene: SKIC2 (SKI2 subunit of superkiller complex; plus strand). Cytogenetic location: 6p21.33.
Variant type: Deletion.
Coding change: c.3272del on transcript NM_006929.5 (MANE Select); coding-DNA position 3272, one base deleted (T; older notation c.3272delT).
Protein change: p.Leu1091fs; shifts the reading frame from leucine 1091.
Molecular consequence: frameshift variant.
Genome position (GRCh38, 1-based): chr6:31,968,962, T deleted. VCF-style (leftmost placement, unchanged base first): chr6-31968961-CT-C. GRCh37 (hg19) VCF-style: chr6-31936738-CT-C.
Other names: short protein forms L1091fs.
Identifiers: ClinVar variation 4997999 (VCV004997999.1).